The following is an entry in ClinVar:

ClinVar aggregate classification (germline): Likely benign (1 of 4 stars; one submission).

Allele frequency attached by ClinVar (database versions not stated): gnomAD 0.00001; gnomAD exomes 0.00001 and 0.00005; TOPMed 0.00003; ExAC 0.00006.

Submission:

GeneDx
Classification: Likely benign. Last evaluated: 2019-01-24. Review status: criteria provided, single submitter. Criteria: GeneDx Variant Classification Process June 2021. Collection method: clinical testing. Allele origin: germline. Affected: yes.
Comment: See Variant Classification Assertion Criteria.

NM_001267550.2(TTN):c.77602T>C (p.Tyr25868His)

Genes: TTN (titin; minus strand), TTN-AS1 (TTN antisense RNA 1; plus strand). Cytogenetic location: 2q31.2.
Variant type: single nucleotide variant.
Coding change: c.77602T>C on transcript NM_001267550.2 (MANE Select); coding-DNA position 77602, T replaced by C.
Protein change: p.Tyr25868His; replaces tyrosine 25868 with histidine.
Molecular consequence: missense variant.
Genome position (GRCh38, 1-based): chr2:178,568,530, A>G on the plus strand (T>C on the coding strand, the complement: TTN is on the minus strand). VCF-style: chr2-178568530-A-G. GRCh37 (hg19) VCF-style: chr2-179433257-A-G.
Other names: c.72679T>C, p.Tyr24227His (NM_001256850.1); c.50407T>C, p.Tyr16803His (NM_003319.4); c.69898T>C, p.Tyr23300His (NM_133378.4); c.50782T>C, p.Tyr16928His (NM_133432.3); c.50983T>C, p.Tyr16995His (NM_133437.4); short protein forms Y16803H, Y16928H, Y16995H, Y23300H, Y24227H, Y25868H.
Identifiers: ClinVar variation 1678802 (VCV001678802.2), dbSNP rs755691336, ClinGen allele CA1989747.